The following is an entry in ClinVar:

ClinVar aggregate classification (germline): Uncertain significance (1 of 4 stars; one submission).

Submission:

Labcorp Genetics (formerly Invitae), Labcorp
Classification: Uncertain significance. Last evaluated: 2021-07-28. Review status: criteria provided, single submitter. Criteria: Invitae Variant Classification Sherloc (09022015). Collection method: clinical testing. Allele origin: germline.
Comment: In summary, the available evidence is currently insufficient to determine the role of this variant in disease. Therefore, it has been classified as a Variant of Uncertain Significance. Algorithms developed to predict the effect of missense changes on protein structure and function (SIFT, PolyPhen-2, Align-GVGD) all suggest that this variant is likely to be disruptive. This variant has not been reported in the literature in individuals affected with RAB28-related conditions. This variant is not present in population databases (ExAC no frequency). This sequence change replaces lysine with isoleucine at codon 39 of the RAB28 protein (p.Lys39Ile). The lysine residue is highly conserved and there is a moderate physicochemical difference between lysine and isoleucine.

NM_001017979.3(RAB28):c.116A>T (p.Lys39Ile)

Gene: RAB28 (RAB28, member RAS oncogene family; minus strand). Cytogenetic location: 4p15.33.
Variant type: single nucleotide variant.
Coding change: c.116A>T on transcript NM_001017979.3 (MANE Select); coding-DNA position 116, A replaced by T.
Protein change: p.Lys39Ile; replaces lysine 39 with isoleucine.
Molecular consequence: missense variant.
Genome position (GRCh38, 1-based): chr4:13,479,486, T>A on the plus strand (A>T on the coding strand, the complement: RAB28 is on the minus strand). VCF-style: chr4-13479486-T-A. GRCh37 (hg19) VCF-style: chr4-13481110-T-A.
Other names: c.116A>T, p.Lys39Ile (NM_001159601.2, NM_004249.4); short protein forms K39I.
Identifiers: ClinVar variation 1506675 (VCV001506675.6), dbSNP rs1399153359, ClinGen allele CA356374924.